The following is an entry in ClinVar:

NM_002439.5(MSH3):c.2444G>C (p.Ser815Thr)

Gene: MSH3 (mutS homolog 3; plus strand). Cytogenetic location: 5q14.1.
Variant type: single nucleotide variant.
Coding change: c.2444G>C on transcript NM_002439.5 (MANE Select); coding-DNA position 2444, G replaced by C.
Protein change: p.Ser815Thr; replaces serine 815 with threonine.
Molecular consequence: missense variant.
Genome position (GRCh38, 1-based): chr5:80,787,573, G>C. VCF-style: chr5-80787573-G-C. GRCh37 (hg19) VCF-style: chr5-80083392-G-C.
Other names: short protein forms S815T.
Identifiers: ClinVar variation 1385202 (VCV001385202.6), dbSNP rs1744531191, ClinGen allele CA360282958.

ClinVar aggregate classification (germline): Uncertain significance (1 of 4 stars; one submission).

Submission:

Labcorp Genetics (formerly Invitae), Labcorp
Classification: Uncertain significance. Last evaluated: 2021-10-13. Review status: criteria provided, single submitter. Criteria: Invitae Variant Classification Sherloc (09022015). Collection method: clinical testing. Allele origin: germline.
Comment: Algorithms developed to predict the effect of missense changes on protein structure and function (SIFT, PolyPhen-2, Align-GVGD) all suggest that this variant is likely to be tolerated. In summary, the available evidence is currently insufficient to determine the role of this variant in disease. Therefore, it has been classified as a Variant of Uncertain Significance. This sequence change replaces serine with threonine at codon 815 of the MSH3 protein (p.Ser815Thr). The serine residue is weakly conserved and there is a small physicochemical difference between serine and threonine. This variant is not present in population databases (ExAC no frequency). This variant has not been reported in the literature in individuals affected with MSH3-related conditions.